The following is an entry in ClinVar:

NM_000046.5(ARSB):c.1232C>T (p.Ala411Val)

Gene: ARSB (arylsulfatase B; minus strand). Cytogenetic location: 5q14.1.
Variant type: single nucleotide variant.
Coding change: c.1232C>T on transcript NM_000046.5 (MANE Select); coding-DNA position 1232, C replaced by T.
Protein change: p.Ala411Val; replaces alanine 411 with valine.
Molecular consequence: missense variant.
Genome position (GRCh38, 1-based): chr5:78,781,956, G>A on the plus strand (C>T on the coding strand, the complement: ARSB is on the minus strand). VCF-style: chr5-78781956-G-A. GRCh37 (hg19) VCF-style: chr5-78077779-G-A.
Other names: short protein forms A411V.
Identifiers: ClinVar variation 1356036 (VCV001356036.7), dbSNP rs554258996, ClinGen allele CA3318041.

ClinVar aggregate classification (germline): Uncertain significance (1 of 4 stars; one submission).

Conditions:
Mucopolysaccharidosis type 6 (MPS6). Also called: MPS VI; MPS 6; Maroteaux Lamy syndrome; N-ACETYLGALACTOSAMINE-4-SULFATASE DEFICIENCY; ARSB DEFICIENCY; ARYLSULFATASE B DEFICIENCY. Identifiers: Orphanet 583, MedGen C0026709, MONDO:0009661, OMIM 253200.

Allele frequency attached by ClinVar (database versions not stated): TOPMed below 0.00001; ExAC 0.00001; gnomAD exomes 0.00001.
gnomAD v4.1: 8 of 1,614,134 alleles (0.0005%); highest among the groups gnomAD compares: Non-Finnish European, 0.00068%; no homozygotes.

Submission:

Labcorp Genetics (formerly Invitae), Labcorp
Classification: Uncertain significance for Mucopolysaccharidosis type 6. Last evaluated: 2022-07-05. Review status: criteria provided, single submitter. Criteria: Invitae Variant Classification Sherloc (09022015). Collection method: clinical testing. Allele origin: germline.
Comment: This sequence change replaces alanine, which is neutral and non-polar, with valine, which is neutral and non-polar, at codon 411 of the ARSB protein (p.Ala411Val). This variant is present in population databases (rs554258996, gnomAD 0.003%). This variant has not been reported in the literature in individuals affected with ARSB-related conditions. ClinVar contains an entry for this variant (Variation ID: 1356036). Advanced modeling of protein sequence and biophysical properties (such as structural, functional, and spatial information, amino acid conservation, physicochemical variation, residue mobility, and thermodynamic stability) performed at Invitae indicates that this missense variant is not expected to disrupt ARSB protein function. In summary, the available evidence is currently insufficient to determine the role of this variant in disease. Therefore, it has been classified as a Variant of Uncertain Significance.